The following is an entry in ClinVar:

ClinVar aggregate classification (germline): Pathogenic. Review status: criteria provided, single submitter (1 of 4 stars). 2 submissions from 2 submitters: Pathogenic (1). 1 of the submissions does not count toward it. Last evaluated 2022-08-20.

Conditions:
GM1 gangliosidosis type 3. Also called: GANGLIOSIDOSIS, GENERALIZED GM1, ADULT TYPE; GANGLIOSIDOSIS, GENERALIZED GM1, CHRONIC TYPE; GANGLIOSIDOSIS, GENERALIZED GM1, TYPE III; GM1-GANGLIOSIDOSIS, TYPE III; Beta-galactosidase deficiency; Adult GM1 gangliosidosis. Identifiers: Orphanet 79257, MedGen C0268273, MONDO:0009262, OMIM 230650.
GM1 gangliosidosis type 2. Also called: GANGLIOSIDOSIS, GENERALIZED GM1, JUVENILE TYPE; GANGLIOSIDOSIS, GENERALIZED GM1, TYPE II; GM1-GANGLIOSIDOSIS, TYPE II; Juvenile GM>1< gangliosidosis; Gangliosidosis, Generalized GM1, Type 2. Identifiers: Orphanet 354, Orphanet 79256, MedGen C0268272, MONDO:0009261, OMIM 230600.
Infantile GM1 gangliosidosis. Also called: GM1 gangliosidosis type 1; GM1-gangliosidosis, type I; Gangliosidosis, generalized GM1, infantile form; GLB1 deficiency; Gangliosidosis, Generalized GM1, Type 1. Identifiers: Orphanet 354, Orphanet 79255, MedGen C0268271, MONDO:0009260, OMIM 230500.
Mucopolysaccharidosis, MPS-IV-B (MPS4B). Also called: Mucopolysaccharidosis type 4B; Mucopolysaccharidosis Type IVB (Morquio B Disease); MORQUIO SYNDROME B; Mucopolysaccharidosis type IVB (Morquio); MPS IVB; Mucopolysaccharidosis type IV B. Identifiers: Orphanet 309310, Orphanet 582, MedGen C0086652, MONDO:0009660, OMIM 253010.
GM1 gangliosidosis. Identifiers: Orphanet 354, MedGen C0085131, MONDO:0018149.

Submissions (2):

Labcorp Genetics (formerly Invitae), Labcorp
Classification: Pathogenic for Mucopolysaccharidosis, MPS-IV-B; GM1 gangliosidosis. Last evaluated: 2022-08-20. Review status: criteria provided, single submitter. Criteria: Invitae Variant Classification Sherloc (09022015). Collection method: clinical testing. Allele origin: germline.
Comment: This sequence change creates a premature translational stop signal (p.Gln572*) in the GLB1 gene. While this is not anticipated to result in nonsense mediated decay, it is expected to disrupt the last 106 amino acid(s) of the GLB1 protein. For these reasons, this variant has been classified as Pathogenic. This variant disrupts a region of the GLB1 protein in which other variant(s) (p.Tyr591Ser) have been determined to be pathogenic (Invitae). This suggests that this is a clinically significant region of the protein, and that variants that disrupt it are likely to be disease-causing. ClinVar contains an entry for this variant (Variation ID: 556285). This variant has not been reported in the literature in individuals affected with GLB1-related conditions. This variant is not present in population databases (gnomAD no frequency).

Counsyl
Classification: Likely pathogenic for Infantile GM1 gangliosidosis; GM1 gangliosidosis type 2; GM1 gangliosidosis type 3; Mucopolysaccharidosis, MPS-IV-B. Last evaluated: 2018-01-24. Review status: no assertion criteria provided. Collection method: clinical testing. Allele origin: unknown. Not counted in ClinVar's aggregate classification.

NM_000404.4(GLB1):c.1714C>T (p.Gln572Ter)

Gene: GLB1 (galactosidase beta 1; minus strand). Cytogenetic location: 3p22.3.
Variant type: single nucleotide variant.
Coding change: c.1714C>T on transcript NM_000404.4 (MANE Select); coding-DNA position 1714, C replaced by T.
Protein change: p.Gln572Ter; replaces glutamine 572 with a stop codon.
Molecular consequence: nonsense.
Genome position (GRCh38, 1-based): chr3:33,014,076, G>A on the plus strand (C>T on the coding strand, the complement: GLB1 is on the minus strand). VCF-style: chr3-33014076-G-A. GRCh37 (hg19) VCF-style: chr3-33055568-G-A.
Other names: c.1624C>T, p.Gln542Ter (NM_001079811.3); c.1321C>T, p.Gln441Ter (NM_001135602.3); c.1858C>T, p.Gln620Ter (NM_001317040.2); c.1714C>T, p.Gln572Ter (NM_001393580.1); short protein forms Q572*, Q441*, Q542*, Q620*.
Identifiers: ClinVar variation 556285 (VCV000556285.7), dbSNP rs1803200, ClinGen allele CA72646038.